The following is an entry in ClinVar:

ClinVar aggregate classification (germline): Uncertain significance (1 of 4 stars; one submission).

Conditions:
Hereditary cancer-predisposing syndrome. Also called: Neoplastic Syndromes, Hereditary; Hereditary Cancer Syndrome; Tumor predisposition; Hereditary neoplastic syndrome. Identifiers: Orphanet 140162, MedGen C0027672, MeSH D009386, MONDO:0015356.

Submission:

Ambry Genetics
Classification: Uncertain significance for Hereditary cancer-predisposing syndrome. Last evaluated: 2025-01-23. Review status: criteria provided, single submitter. Criteria: Ambry Variant Classification Scheme 2023. Collection method: clinical testing. Allele origin: germline.
Comment: The p.L166R variant (also known as c.497T>G), located in coding exon 4 of the SMARCB1 gene, results from a T to G substitution at nucleotide position 497. The leucine at codon 166 is replaced by arginine, an amino acid with dissimilar properties. This amino acid position is conserved. In addition, this alteration is predicted to be deleterious by in silico analysis. Based on the available evidence, the clinical significance of this variant remains unclear.

NM_003073.5(SMARCB1):c.497T>G (p.Leu166Arg)

Gene: SMARCB1 (SWI/SNF related BAF chromatin remodeling complex subunit B1; plus strand). Cytogenetic location: 22q11.23.
Variant type: single nucleotide variant.
Coding change: c.497T>G on transcript NM_003073.5 (MANE Select); coding-DNA position 497, T replaced by G.
Protein change: p.Leu166Arg; replaces leucine 166 with arginine.
Molecular consequence: missense variant.
Genome position (GRCh38, 1-based): chr22:23,801,078, T>G. VCF-style: chr22-23801078-T-G. GRCh37 (hg19) VCF-style: chr22-24143265-T-G.
Other names: c.470T>G, p.Leu157Arg (NM_001317946.2, NM_001007468.3); c.497T>G, p.Leu166Arg (NM_001362877.2); short protein forms L166R, L157R.
Identifiers: ClinVar variation 3798953 (VCV003798953.1).